The following is an entry in ClinVar:

NM_001142679.2(ANO6):c.2527-12_2527-8del

Gene: ANO6 (anoctamin 6; plus strand). Cytogenetic location: 12q12.
Variant type: Deletion.
Coding change: c.2527-12_2527-8del on transcript NM_001142679.2; 12 bases into the intron before coding-DNA position 2527 through 8 bases into the intron before coding-DNA position 2527, 5 bases deleted (TTTTT; older notation c.2527-12_2527-8delTTTTT).
Molecular consequence: intron variant.
Genome position (GRCh38, 1-based): chr12:45,439,663-45,439,667, TTTTT deleted; deleting any 5 consecutive bases within chr12:45,439,648-45,439,667 gives the same sequence; the c. name uses the placement nearest the transcript's 3' end. VCF-style (leftmost placement, unchanged base first): chr12-45439647-CTTTTT-C. GRCh37 (hg19) VCF-style: chr12-45833430-CTTTTT-C.
Identifiers: ClinVar variation 3034994 (VCV003034994.2), dbSNP rs34144696, ClinGen allele CA689241292.

ClinVar aggregate classification (germline): Likely benign (0 of 4 stars; one submission).

Conditions:
ANO6-related disorder. Also called: ANO6-related condition.

Submission:

PreventionGenetics, part of Exact Sciences
Classification: Likely benign for ANO6-related condition. Last evaluated: 2019-02-22. Review status: no assertion criteria provided. Collection method: clinical testing. Allele origin: germline.
Comment: This variant is classified as likely benign based on ACMG/AMP sequence variant interpretation guidelines (Richards et al. 2015 PMID: 25741868, with internal and published modifications).